The following is an entry in ClinVar:

ClinVar aggregate classification (germline): Likely benign (1 of 4 stars; one submission).

gnomAD v4.1: 14 of 1,559,802 alleles (0.0009%); highest among the groups gnomAD compares: Non-Finnish European, 0.0012%; no homozygotes.

Submission:

CeGaT Center for Human Genetics Tuebingen
Classification: Likely benign. Last evaluated: 2023-04-01. Review status: criteria provided, single submitter. Criteria: CeGaT Center For Human Genetics Tuebingen Variant Classification Criteria Version 2. Collection method: clinical testing. Allele origin: germline. Affected: yes. Observed: 1 variant allele.
Comment: ZNF575: BP4, BP7

NM_174945.3(ZNF575):c.183C>T (p.Arg61=)

Gene: ZNF575 (zinc finger protein 575; plus strand). Cytogenetic location: 19q13.31.
Variant type: single nucleotide variant.
Coding change: c.183C>T on transcript NM_174945.3 (MANE Select); coding-DNA position 183, C replaced by T.
Protein change: p.Arg61=; no amino-acid change (arginine 61 retained).
Molecular consequence: synonymous variant.
Genome position (GRCh38, 1-based): chr19:43,535,132, C>T. VCF-style: chr19-43535132-C-T. GRCh37 (hg19) VCF-style: chr19-44039284-C-T.
Other names: c.183C>T, p.Arg61= (NM_001394237.1).
Identifiers: ClinVar variation 2650064 (VCV002650064.24), dbSNP rs1427442185, ClinGen allele CA507739604.